The following is an entry in ClinVar:

ClinVar aggregate classification (germline): Likely benign. Review status: criteria provided, multiple submitters, no conflicts (2 of 4 stars). 2 submissions from 2 submitters: Likely benign (2). Last evaluated 2025-10-07.

Conditions:
PLOD3-related disorder. Also called: PLOD3-related condition.

Allele frequency attached by ClinVar (database versions not stated): gnomAD 0.00014 and 0.00017; TOPMed 0.00018; ExAC 0.00032; gnomAD exomes 0.00032; 1000 Genomes Project 30x 0.00078; 1000 Genomes Project 0.00100.
gnomAD v4.1: 152 of 1,613,540 alleles (0.0094%); highest among the groups gnomAD compares: East Asian, 0.24%; no homozygotes.

Submissions (2):

Labcorp Genetics (formerly Invitae), Labcorp
Classification: Likely benign. Last evaluated: 2025-10-07. Review status: criteria provided, single submitter. Criteria: Invitae Variant Classification Sherloc (09022015). Collection method: clinical testing. Allele origin: germline.

PreventionGenetics, part of Exact Sciences
Classification: Likely benign for PLOD3-related condition. Last evaluated: 2025-02-26. Review status: criteria provided, single submitter. Criteria: ACMG Guidelines, 2015. Collection method: clinical testing. Allele origin: germline.
Comment: This variant is classified as likely benign based on ACMG/AMP sequence variant interpretation guidelines (Richards et al. 2015 PMID: 25741868, with internal and published modifications).

NM_001084.5(PLOD3):c.403C>T (p.Arg135Cys)

Gene: PLOD3 (procollagen-lysine,2-oxoglutarate 5-dioxygenase 3; minus strand). Cytogenetic location: 7q22.1.
Variant type: single nucleotide variant.
Coding change: c.403C>T on transcript NM_001084.5 (MANE Select); coding-DNA position 403, C replaced by T.
Protein change: p.Arg135Cys; replaces arginine 135 with cysteine.
Molecular consequence: missense variant.
Genome position (GRCh38, 1-based): chr7:101,216,262, G>A on the plus strand (C>T on the coding strand, the complement: PLOD3 is on the minus strand). VCF-style: chr7-101216262-G-A. GRCh37 (hg19) VCF-style: chr7-100859543-G-A.
Other names: c.403C>T (NM_001084.4); short protein forms R135C.
Identifiers: ClinVar variation 1597437 (VCV001597437.9), dbSNP rs199668947, ClinGen allele CA4408206.